The following is an entry in ClinVar:

NM_017849.4(TMEM127):c.443A>T (p.Tyr148Phe)

Gene: TMEM127 (transmembrane protein 127; minus strand). Cytogenetic location: 2q11.2.
Variant type: single nucleotide variant.
Coding change: c.443A>T on transcript NM_017849.4 (MANE Select); coding-DNA position 443, A replaced by T.
Protein change: p.Tyr148Phe; replaces tyrosine 148 with phenylalanine.
Molecular consequence: missense variant.
Genome position (GRCh38, 1-based): chr2:96,254,082, T>A on the plus strand (A>T on the coding strand, the complement: TMEM127 is on the minus strand). VCF-style: chr2-96254082-T-A. GRCh37 (hg19) VCF-style: chr2-96919820-T-A.
Other names: c.443A>T, p.Tyr148Phe (NM_001193304.3); c.443A>T (NM_017849.3); short protein forms Y148F.
Identifiers: ClinVar variation 1057964 (VCV001057964.11), dbSNP rs1684152230, ClinGen allele CA347653048.

ClinVar aggregate classification (germline): Uncertain significance. Review status: criteria provided, multiple submitters, no conflicts (2 of 4 stars). 3 submissions from 3 submitters: Uncertain significance (3). Last evaluated 2025-08-31.

Conditions:
Hereditary cancer-predisposing syndrome. Also called: Tumor predisposition; Neoplastic Syndromes, Hereditary; Hereditary Cancer Syndrome; Hereditary neoplastic syndrome. Identifiers: Orphanet 140162, MedGen C0027672, MeSH D009386, MONDO:0015356.
Pheochromocytoma. Also called: MAX-Related Hereditary Paraganglioma-Pheochromocytoma Syndrome. Identifiers: Orphanet 29072, MedGen C0031511, MONDO:0008233, OMIM 171300, HP:0002666.
Hereditary pheochromocytoma and paraganglioma. Also called: Hereditary paragangliomas and pheochromocytomas; Hereditary pheochromocytoma-paraganglioma; Hereditary Paraganglioma-Pheochromocytoma Syndromes. Identifiers: Orphanet 29072, MedGen C4274332, MONDO:0017366.

Allele frequency attached by ClinVar (database versions not stated): gnomAD exomes below 0.00001; TOPMed below 0.00001.
gnomAD v4.1: 2 of 1,614,022 alleles (0.00012%); highest among the groups gnomAD compares: African/African-American, 0.0027%; no homozygotes.

Submissions (3):

Labcorp Genetics (formerly Invitae), Labcorp
Classification: Uncertain significance for Hereditary pheochromocytoma and paraganglioma. Last evaluated: 2025-08-31. Review status: criteria provided, single submitter. Criteria: Invitae Variant Classification Sherloc (09022015). Collection method: clinical testing. Allele origin: germline.
Comment: This sequence change replaces tyrosine, which is neutral and polar, with phenylalanine, which is neutral and non-polar, at codon 148 of the TMEM127 protein (p.Tyr148Phe). This variant is not present in population databases (gnomAD no frequency). This variant has not been reported in the literature in individuals affected with TMEM127-related conditions. ClinVar contains an entry for this variant (Variation ID: 1057964). An algorithm developed to predict the effect of missense changes on protein structure and function (PolyPhen-2) suggests that this variant is likely to be disruptive. In summary, the available evidence is currently insufficient to determine the role of this variant in disease. Therefore, it has been classified as a Variant of Uncertain Significance.

Ambry Genetics
Classification: Uncertain significance for Hereditary cancer-predisposing syndrome. Last evaluated: 2025-03-02. Review status: criteria provided, single submitter. Criteria: Ambry Variant Classification Scheme 2023. Collection method: clinical testing. Allele origin: germline.
Comment: The p.Y148F variant (also known as c.443A>T), located in coding exon 3 of the TMEM127 gene, results from an A to T substitution at nucleotide position 443. The tyrosine at codon 148 is replaced by phenylalanine, an amino acid with highly similar properties. This amino acid position is conserved. In addition, this alteration is predicted to be deleterious by in silico analysis. Based on the available evidence, the clinical significance of this variant remains unclear.

Baylor Genetics
Classification: Uncertain significance for Pheochromocytoma. Last evaluated: 2023-09-06. Review status: criteria provided, single submitter. Criteria: ACMG Guidelines, 2015. Collection method: clinical testing. Allele origin: unknown.